The following is an entry in ClinVar:

ClinVar aggregate classification (germline): Uncertain significance. Review status: criteria provided, multiple submitters, no conflicts (2 of 4 stars). 2 submissions from 2 submitters: Uncertain significance (2). Last evaluated 2025-01-23.

Conditions:
RP1L1-related disorder. Also called: RP1L1-related condition.
Inborn genetic diseases. Identifiers: MedGen C0950123, MeSH D030342.

Allele frequency attached by ClinVar (database versions not stated): gnomAD 0.00001; ExAC 0.00002; TOPMed 0.00003.
gnomAD v4.1: 23 of 1,610,858 alleles (0.0014%); highest among the groups gnomAD compares: East Asian, 0.0067%; no homozygotes.

Submissions (2):

PreventionGenetics, part of Exact Sciences
Classification: Uncertain significance for RP1L1-related condition. Last evaluated: 2025-01-23. Review status: criteria provided, single submitter. Criteria: ACMG Guidelines, 2015. Collection method: clinical testing. Allele origin: germline.
Comment: The RP1L1 c.1576C>T variant is predicted to result in the amino acid substitution p.Arg526Trp. To our knowledge, this variant has not been reported in the literature. This variant is reported in 0.016% of alleles in individuals of East Asian descent in gnomAD. At this time, the clinical significance of this variant is uncertain due to the absence of conclusive functional and genetic evidence.

Ambry Genetics
Classification: Uncertain significance for Inborn genetic diseases. Last evaluated: 2024-08-15. Review status: criteria provided, single submitter. Criteria: Ambry Variant Classification Scheme 2023. Collection method: clinical testing. Allele origin: germline.

NM_178857.6(RP1L1):c.1576C>T (p.Arg526Trp)

Gene: RP1L1 (RP1 like 1). Cytogenetic location: 8p23.1.
Variant type: single nucleotide variant.
Coding change: c.1576C>T on transcript NM_178857.6 (MANE Select); coding-DNA position 1576, C replaced by T.
Protein change: p.Arg526Trp; replaces arginine 526 with tryptophan.
Molecular consequence: missense variant.
Genome position (GRCh38, 1-based): chr8:10,612,522, G>A on the plus strand (C>T on the coding strand, the complement: RP1L1 is on the minus strand). VCF-style: chr8-10612522-G-A. GRCh37 (hg19) VCF-style: chr8-10470032-G-A.
Other names: short protein forms R526W.
Identifiers: ClinVar variation 2385957 (VCV002385957.4), dbSNP rs753741383, ClinGen allele CA4625123.